The following is an entry in ClinVar:

ClinVar aggregate classification (germline): Uncertain significance (1 of 4 stars; one submission).

Submission:

GeneDx
Classification: Uncertain significance. Last evaluated: 2025-03-25. Review status: criteria provided, single submitter. Criteria: GeneDx Variant Classification Process June 2021. Collection method: clinical testing. Allele origin: germline. Affected: yes.
Comment: Not observed at significant frequency in large population cohorts (gnomAD); In silico analysis supports that this missense variant has a deleterious effect on protein structure/function; Has not been previously published as pathogenic or benign to our knowledge

NM_000069.3(CACNA1S):c.4304T>C (p.Phe1435Ser)

Gene: CACNA1S (calcium voltage-gated channel subunit alpha1 S; minus strand). Cytogenetic location: 1q32.1.
Variant type: single nucleotide variant.
Coding change: c.4304T>C on transcript NM_000069.3 (MANE Select); coding-DNA position 4304, T replaced by C.
Protein change: p.Phe1435Ser; replaces phenylalanine 1435 with serine.
Molecular consequence: missense variant.
Genome position (GRCh38, 1-based): chr1:201,049,037, A>G on the plus strand (T>C on the coding strand, the complement: CACNA1S is on the minus strand). VCF-style: chr1-201049037-A-G. GRCh37 (hg19) VCF-style: chr1-201018165-A-G.
Other names: short protein forms F1435S.
Identifiers: ClinVar variation 4087928 (VCV004087928.1).